The following is an entry in ClinVar:

NM_014619.5(GRIK4):c.1714G>A (p.Glu572Lys)

Genes: GRIK4 (glutamate ionotropic receptor kainate type subunit 4; plus strand), LOC101929208 (uncharacterized LOC101929208; minus strand). Cytogenetic location: 11q23.3.
Variant type: single nucleotide variant.
Coding change: c.1714G>A on transcript NM_014619.5 (MANE Select); coding-DNA position 1714, G replaced by A.
Protein change: p.Glu572Lys; replaces glutamic acid 572 with lysine.
Molecular consequence: missense variant.
Genome position (GRCh38, 1-based): chr11:120,956,793, G>A. VCF-style: chr11-120956793-G-A. GRCh37 (hg19) VCF-style: chr11-120827502-G-A.
Other names: c.1714G>A, p.Glu572Lys (NM_001282470.3, NM_001282473.3); short protein forms E572K.
Identifiers: ClinVar variation 2642467 (VCV002642467.24), dbSNP rs1944162298, ClinGen allele CA383012618.

ClinVar aggregate classification (germline): Uncertain significance (1 of 4 stars; one submission).

Allele frequency attached by ClinVar (database versions not stated): TOPMed below 0.00001.
gnomAD v4.1: 1 of 1,594,938 alleles (0.000063%); highest among the groups gnomAD compares: Non-Finnish European, 0.000086%; no homozygotes.

Submission:

CeGaT Center for Human Genetics Tuebingen
Classification: Uncertain significance. Last evaluated: 2022-09-01. Review status: criteria provided, single submitter. Criteria: CeGaT Center For Human Genetics Tuebingen Variant Classification Criteria Version 2. Collection method: clinical testing. Allele origin: germline. Affected: yes. Observed: 1 variant allele.
Comment: GRIK4: PM2